The following is an entry in ClinVar:

ClinVar aggregate classification (germline): Uncertain significance (1 of 4 stars; one submission).

Conditions:
Severe X-linked myotubular myopathy (CNMX). Also called: Myotubular myopathy, X-linked; MYOTUBULAR MYOPATHY 1; X-linked centronuclear myopathy. Identifiers: Orphanet 596, MedGen C0410203, MONDO:0010683, OMIM 310400.

Submission:

Labcorp Genetics (formerly Invitae), Labcorp
Classification: Uncertain significance for Severe X-linked myotubular myopathy. Last evaluated: 2023-06-15. Review status: criteria provided, single submitter. Criteria: Invitae Variant Classification Sherloc (09022015). Collection method: clinical testing. Allele origin: germline.
Comment: In summary, the available evidence is currently insufficient to determine the role of this variant in disease. Therefore, it has been classified as a Variant of Uncertain Significance. Advanced modeling of protein sequence and biophysical properties (such as structural, functional, and spatial information, amino acid conservation, physicochemical variation, residue mobility, and thermodynamic stability) performed at Invitae indicates that this missense variant is expected to disrupt MTM1 protein function. This variant has not been reported in the literature in individuals affected with MTM1-related conditions. This variant is not present in population databases (gnomAD no frequency). This sequence change replaces aspartic acid, which is acidic and polar, with glycine, which is neutral and non-polar, at codon 25 of the MTM1 protein (p.Asp25Gly).

NM_000252.3(MTM1):c.74A>G (p.Asp25Gly)

Gene: MTM1 (myotubularin 1; plus strand). Cytogenetic location: Xq28.
Variant type: single nucleotide variant.
Coding change: c.74A>G on transcript NM_000252.3 (MANE Select); coding-DNA position 74, A replaced by G.
Protein change: p.Asp25Gly; replaces aspartic acid 25 with glycine.
Molecular consequence: missense variant.
Genome position (GRCh38, 1-based): chrX:150,596,508, A>G. VCF-style: chrX-150596508-A-G. GRCh37 (hg19) VCF-style: chrX-149764972-A-G.
Other names: c.74A>G, p.Asp25Gly (NM_001376906.1, NM_001376907.1, NM_001376908.1); short protein forms D25G.
Identifiers: ClinVar variation 2978802 (VCV002978802.3), dbSNP rs2522122548, ClinGen allele CA415249787.